The following is an entry in ClinVar:

ClinVar aggregate classification (germline): Uncertain significance (1 of 4 stars; one submission).

gnomAD v4.1: 2 of 1,605,470 alleles (0.00012%); highest among the groups gnomAD compares: Non-Finnish European, 0.00017%; no homozygotes.

Submission:

CeGaT Center for Human Genetics Tuebingen
Classification: Uncertain significance. Last evaluated: 2025-03-01. Review status: criteria provided, single submitter. Criteria: CeGaT Center For Human Genetics Tuebingen Variant Classification Criteria Version 2. Collection method: clinical testing. Allele origin: germline. Affected: yes. Observed: 1 variant allele.
Comment: EML1: PM2, PM3:Supporting

NM_004434.3(EML1):c.1499C>T (p.Pro500Leu)

Gene: EML1 (EMAP like 1; plus strand). Cytogenetic location: 14q32.2.
Variant type: single nucleotide variant.
Coding change: c.1499C>T on transcript NM_004434.3 (MANE Select); coding-DNA position 1499, C replaced by T.
Protein change: p.Pro500Leu; replaces proline 500 with leucine.
Molecular consequence: missense variant.
Genome position (GRCh38, 1-based): chr14:99,914,183, C>T. VCF-style: chr14-99914183-C-T. GRCh37 (hg19) VCF-style: chr14-100380520-C-T.
Other names: c.1556C>T, p.Pro519Leu (NM_001008707.2); c.1460C>T, p.Pro487Leu (NM_001375411.1); c.1499C>T, p.Pro500Leu (NM_001375412.1); short protein forms P487L, P500L, P519L.
Identifiers: ClinVar variation 3778214 (VCV003778214.7).
Genomic context (GRCh38, chr14:99,914,183, plus strand): 5'-GCTAACAACTGAATGAAATTGTACATCTTTTCTTTTCATATGACTTTTCAATGCAGATTC[C>T]AGAACAGTTTGGTCCAATACGGACAGTGGCCGAGGGGAAAGGCGATGTGATCTTGATTGG-3'
Protein context (NP_004425.2, residues 490-510): NYQKLRKTEI[Pro500Leu]EQFGPIRTVA